The following is an entry in ClinVar:

NM_024675.4(PALB2):c.839del (p.Asn280fs)

Gene: PALB2 (partner and localizer of BRCA2; minus strand). Cytogenetic location: 16p12.2.
Variant type: Deletion.
Coding change: c.839del on transcript NM_024675.4 (MANE Select); coding-DNA position 839, one base deleted (A; older notation c.839delA).
Protein change: p.Asn280fs; shifts the reading frame from asparagine 280.
Molecular consequence: frameshift variant.
Genome position (GRCh38, 1-based): chr16:23,635,707, T deleted on the plus strand (A on the coding strand, the reverse complement: PALB2 is on the minus strand); the first of 6 consecutive T bases (chr16:23,635,707-23,635,712); deleting any one gives the same sequence. VCF-style (leftmost placement, unchanged base first): chr16-23635706-GT-G. GRCh37 (hg19) VCF-style: chr16-23647027-GT-G.
Other names: NM_024675.3(PALB2):c.839del; p.Asn280fs; NM_024675.4(PALB2):c.839del; c.839delA (NM_024675.3); short protein forms N280fs.
Identifiers: ClinVar variation 480243 (VCV000480243.24), dbSNP rs1555461597, ClinGen allele CA494462159.

ClinVar aggregate classification (germline): Pathogenic. Review status: reviewed by expert panel (3 of 4 stars). 10 submissions from 10 submitters: Pathogenic (1). 9 of the submissions do not count toward it. Last evaluated 2023-04-05.

Conditions:
Hereditary cancer-predisposing syndrome. Also called: Tumor predisposition; Hereditary Cancer Syndrome; Neoplastic Syndromes, Hereditary; Hereditary neoplastic syndrome. Identifiers: Orphanet 140162, MedGen C0027672, MeSH D009386, MONDO:0015356.
PALB2-related disorder. Also called: PALB2-related disorders; PALB2-related condition.
PALB2-related cancer predisposition. Identifiers: MedGen CN377761, MONDO:0700272.
Familial cancer of breast. Also called: hereditary breast carcinoma; Hereditary breast cancer; BREAST CANCER, FAMILIAL. Identifiers: Orphanet 227535, MedGen C0346153, MONDO:0016419, OMIM 114480. Disease mechanism: loss of function.

Submissions (10):

ClinGen Hereditary Breast, Ovarian and Pancreatic Cancer Variant Curation Expert Panel, ClinGen
Classification: Pathogenic for PALB2-related cancer predisposition. Last evaluated: 2023-04-05. Review status: reviewed by expert panel. Criteria: ClinGen HBOP VCEP ACMG Specifications PALB2 V1.0.0. Collection method: curation. Allele origin: germline. Inheritance: Autosomal dominant inheritance.
Comment: The c.839del (p.Asn280fs) variant in PALB2 is a frameshift variant predicted to cause a premature stop codon in biologically-relevant exon 4 leading to nonsense mediated decay in a gene in which loss-of-function is an established disease mechanism. This alteration results in a termination codon upstream of the most C-terminus pathogenic alteration (PALB2 p.Tyr1183*), as classified by the HBOP VCEP, and is expected to be more deleterious. This variant is absent from gnomAD v2.1.1. In summary, this variant meets criteria to be classified as pathogenic for autosomal dominant hereditary breast and pancreatic cancer and autosomal recessive FANCN based on the ACMG/AMP criteria applied, as specified by the HBOP VCEP (PVS1, PM5_Supporting, PM2_Supporting).

Labcorp Genetics (formerly Invitae), Labcorp
Classification: Pathogenic for Familial cancer of breast. Last evaluated: 2025-11-02. Review status: criteria provided, single submitter. Criteria: Invitae Variant Classification Sherloc (09022015). Collection method: clinical testing. Allele origin: germline. Not counted in ClinVar's aggregate classification.
Comment: This sequence change creates a premature translational stop signal (p.Asn280Thrfs*8) in the PALB2 gene. It is expected to result in an absent or disrupted protein product. Loss-of-function variants in PALB2 are known to be pathogenic (PMID: 17200668, 17200671, 17200672, 24136930, 25099575). This variant is not present in population databases (gnomAD no frequency). This premature translational stop signal has been observed in individual(s) with pancreatic ductal adenocarcinoma (PMID: 28767289). ClinVar contains an entry for this variant (Variation ID: 480243). For these reasons, this variant has been classified as Pathogenic.

Ambry Genetics
Classification: Pathogenic for Hereditary cancer-predisposing syndrome. Last evaluated: 2024-11-11. Review status: criteria provided, single submitter. Criteria: Ambry Variant Classification Scheme 2023. Collection method: clinical testing. Allele origin: germline. Not counted in ClinVar's aggregate classification.
Comment: The c.839delA pathogenic mutation, located in coding exon 4 of the PALB2 gene, results from a deletion of one nucleotide at nucleotide position 839, causing a translational frameshift with a predicted alternate stop codon (p.N280Tfs*8). This alteration was detected in 1/5589 German BRCA1/2-negative probands with breast cancer. (Hauke J et al. Cancer Med, 2018 04;7:1349-1358). This alteration was also identified in a cohort of patients with pancreatic cancer or other periampullary neoplasms tested for hereditary cancer risk via a multi-gene panel. (Shindo K et al. J Clin Oncol, 2017 Oct;35:3382-3390). This variant is considered to be rare based on population cohorts in the Genome Aggregation Database (gnomAD). In addition to the information presented in the literature, this alteration is expected to result in loss of function by premature protein truncation or nonsense-mediated mRNA decay. As such, this alteration is interpreted as a disease-causing mutation.

Blueprint Genetics
Classification: Pathogenic for PALB2-related disorders. Last evaluated: 2024-08-30. Review status: criteria provided, single submitter. Criteria: ACMG Guidelines, 2015. Collection method: clinical testing. Allele origin: germline. Affected: yes. Observed: 2 variant alleles. Not counted in ClinVar's aggregate classification.

Molecular Pathology, Peter Maccallum Cancer Centre
Classification: Pathogenic for Familial cancer of breast. Last evaluated: 2024-06-18. Review status: criteria provided, single submitter. Criteria: ACMG Guidelines, 2015. Collection method: clinical testing. Allele origin: germline. Inheritance: Autosomal dominant inheritance. Not counted in ClinVar's aggregate classification.

Myriad Genetics, Inc.
Classification: Pathogenic for Familial cancer of breast. Last evaluated: 2023-09-07. Review status: criteria provided, single submitter. Criteria: Myriad Autosomal Dominant, Autosomal Recessive and X-Linked Classification Criteria (2023). Collection method: clinical testing. Allele origin: unknown. Not counted in ClinVar's aggregate classification.
Comment: This variant is considered pathogenic. This variant creates a frameshift predicted to result in premature protein truncation.

Baylor Genetics
Classification: Pathogenic for Familial cancer of breast. Last evaluated: 2023-02-14. Review status: criteria provided, single submitter. Criteria: ACMG Guidelines, 2015. Collection method: clinical testing. Allele origin: unknown. Not counted in ClinVar's aggregate classification.

PreventionGenetics, part of Exact Sciences
Classification: Pathogenic for PALB2-related condition. Last evaluated: 2022-10-26. Review status: criteria provided, single submitter. Criteria: ACMG Guidelines, 2015. Collection method: clinical testing. Allele origin: germline. Not counted in ClinVar's aggregate classification.
Comment: The PALB2 c.839delA variant is predicted to result in a frameshift and premature protein termination (p.Asn280Thrfs*8). This variant has been reported in individuals with ovarian and breast cancer (Lilyquist et al. 2017. PubMed ID: 28888541. Table S7; Kwong et al. 2020. PubMed ID: 32068069; Zhou et al. 2020. PubMed ID: 32339256. Table S2). This variant has also been reported in an individual with pancreatic ductal adenocarcinoma (Shindo et al. 2017. PubMed ID: 28767289). This variant has not been reported in a large population database, indicating this variant is rare. In ClinVar, this variant is interpreted as pathogenic by multiple laboratories. Frameshift variants in PALB2 are expected to be pathogenic. This variant is interpreted as pathogenic.

Color Diagnostics, LLC DBA Color Health
Classification: Pathogenic for Hereditary cancer-predisposing syndrome. Last evaluated: 2021-01-02. Review status: criteria provided, single submitter. Criteria: ACMG Guidelines, 2015. Collection method: clinical testing. Allele origin: germline. Not counted in ClinVar's aggregate classification.
Comment: This variant deletes 1 nucleotide in exon 4 of the PALB2 gene, creating a frameshift and premature translation stop signal. This variant is expected to result in an absent or non-functional protein product. To our knowledge, this variant has not been reported in individuals affected with hereditary cancer in the literature. This variant has not been identified in the general population by the Genome Aggregation Database (gnomAD). Loss of PALB2 function is a known mechanism of disease. Based on the available evidence, this variant is classified as Pathogenic.

Leiden Open Variation Database
Classification: Pathogenic. Last evaluated: 2019-05-13. Review status: no assertion criteria provided. Collection method: curation. Allele origin: germline. Affected: yes. Not counted in ClinVar's aggregate classification.
Comment: Curators: Marc Tischkowitz, Arleen D. Auerbach. Submitter to LOVD: IMGAG.

Literature cited by the submitters: PubMed 17200668 (cited by Labcorp Genetics (formerly Invitae), Labcorp); PubMed 17200671 (cited by Labcorp Genetics (formerly Invitae), Labcorp); PubMed 17200672 (cited by Labcorp Genetics (formerly Invitae), Labcorp); PubMed 24136930 (cited by Labcorp Genetics (formerly Invitae), Labcorp); PubMed 25099575 (cited by Labcorp Genetics (formerly Invitae), Labcorp); PubMed 28767289 (cited by Labcorp Genetics (formerly Invitae), Labcorp and Ambry Genetics); PubMed 29522266 (cited by Ambry Genetics).